The following is an entry in ClinVar:

NM_001384732.1(CPLANE1):c.1762G>A (p.Val588Met)

Gene: CPLANE1 (ciliogenesis and planar polarity effector complex subunit 1; minus strand). Cytogenetic location: 5p13.2.
Variant type: single nucleotide variant.
Coding change: c.1762G>A on transcript NM_001384732.1 (MANE Select); coding-DNA position 1762, G replaced by A.
Protein change: p.Val588Met; replaces valine 588 with methionine.
Molecular consequence: missense variant.
Genome position (GRCh38, 1-based): chr5:37,226,833, C>T on the plus strand (G>A on the coding strand, the complement: CPLANE1 is on the minus strand). VCF-style: chr5-37226833-C-T. GRCh37 (hg19) VCF-style: chr5-37226935-C-T.
Other names: c.1762G>A, p.Val588Met (NM_023073.4); short protein forms V588M.
Identifiers: ClinVar variation 1485800 (VCV001485800.3), dbSNP rs2150439978, ClinGen allele CA359499810.
Genomic context (GRCh38, chr5:37,226,833, plus strand): 5'-TGTAAAAAAAATGAGTGATACAAACTACTATGTAATTTAACATTAAATTTTTTTCTGTCA[C>T]AGTTTTTGAAATTCCTATAGTCCACGCTGCAAGTAGACTTTTCTGGATAGAATGCAGTTC-3'
Protein context (NP_001371661.1, residues 578-598): AAWTIGISKT[Val588Met]TEKNLMLNYI

ClinVar aggregate classification (germline): Uncertain significance (1 of 4 stars; one submission).

gnomAD v4.1: 1 of 1,550,476 alleles (0.000064%); highest among the groups gnomAD compares: African/African-American, 0.0014%; no homozygotes.

Submission:

Labcorp Genetics (formerly Invitae), Labcorp
Classification: Uncertain significance. Last evaluated: 2022-06-27. Review status: criteria provided, single submitter. Criteria: Invitae Variant Classification Sherloc (09022015). Collection method: clinical testing. Allele origin: germline.
Comment: This sequence change replaces valine, which is neutral and non-polar, with methionine, which is neutral and non-polar, at codon 588 of the CPLANE1 protein (p.Val588Met). This variant is not present in population databases (gnomAD no frequency). This variant has not been reported in the literature in individuals affected with CPLANE1-related conditions. Advanced modeling of protein sequence and biophysical properties (such as structural, functional, and spatial information, amino acid conservation, physicochemical variation, residue mobility, and thermodynamic stability) performed at Invitae indicates that this missense variant is expected to disrupt CPLANE1 protein function. In summary, the available evidence is currently insufficient to determine the role of this variant in disease. Therefore, it has been classified as a Variant of Uncertain Significance.